The following is an entry in ClinVar:

ClinVar aggregate classification (germline): Uncertain significance. Review status: criteria provided, multiple submitters, no conflicts (2 of 4 stars). 2 submissions from 2 submitters: Uncertain significance (2). Last evaluated 2025-06-04.

Conditions:
Inborn genetic diseases. Identifiers: MedGen C0950123, MeSH D030342.

Allele frequency attached by ClinVar (database versions not stated): ExAC 0.00002; gnomAD 0.00003 and 0.00004; TOPMed 0.00004; gnomAD exomes 0.00006.
gnomAD v4.1: 93 of 1,614,092 alleles (0.0058%); highest among the groups gnomAD compares: Non-Finnish European, 0.0074%; no homozygotes.

Submissions (2):

Labcorp Genetics (formerly Invitae), Labcorp
Classification: Uncertain significance. Last evaluated: 2025-06-04. Review status: criteria provided, single submitter. Criteria: Invitae Variant Classification Sherloc (09022015). Collection method: clinical testing. Allele origin: germline.
Comment: This sequence change replaces aspartic acid, which is acidic and polar, with asparagine, which is neutral and polar, at codon 476 of the LRIT3 protein (p.Asp476Asn). This variant is present in population databases (rs759099906, gnomAD 0.01%). This variant has not been reported in the literature in individuals affected with LRIT3-related conditions. ClinVar contains an entry for this variant (Variation ID: 837358). An algorithm developed to predict the effect of missense changes on protein structure and function outputs the following: PolyPhen-2: "Probably Damaging". The asparagine amino acid residue is found in multiple mammalian species, which suggests that this missense change does not adversely affect protein function. In summary, the available evidence is currently insufficient to determine the role of this variant in disease. Therefore, it has been classified as a Variant of Uncertain Significance.

Ambry Genetics
Classification: Uncertain significance for Inborn genetic diseases. Last evaluated: 2023-05-08. Review status: criteria provided, single submitter. Criteria: Ambry Variant Classification Scheme 2023. Collection method: clinical testing. Allele origin: germline.

NM_198506.5(LRIT3):c.1426G>A (p.Asp476Asn)

Gene: LRIT3 (leucine rich repeat, Ig-like and transmembrane domains 3; plus strand). Cytogenetic location: 4q25.
Variant type: single nucleotide variant.
Coding change: c.1426G>A on transcript NM_198506.5 (MANE Select); coding-DNA position 1426, G replaced by A.
Protein change: p.Asp476Asn; replaces aspartic acid 476 with asparagine.
Molecular consequence: missense variant.
Genome position (GRCh38, 1-based): chr4:109,870,175, G>A. VCF-style: chr4-109870175-G-A. GRCh37 (hg19) VCF-style: chr4-110791331-G-A.
Other names: c.1291G>A (NM_198506.2); short protein forms D476N.
Identifiers: ClinVar variation 837358 (VCV000837358.6), dbSNP rs759099906, ClinGen allele CA3043182.